The following is an entry in ClinVar:

ClinVar aggregate classification (germline): Uncertain significance (1 of 4 stars; one submission).

gnomAD v4.1: 5 of 1,608,846 alleles (0.00031%); highest among the groups gnomAD compares: Admixed American, 0.0051%; no homozygotes.

Submission:

Labcorp Genetics (formerly Invitae), Labcorp
Classification: Uncertain significance. Last evaluated: 2025-10-13. Review status: criteria provided, single submitter. Criteria: Invitae Variant Classification Sherloc (09022015). Collection method: clinical testing. Allele origin: germline.
Comment: This sequence change replaces asparagine, which is neutral and polar, with serine, which is neutral and polar, at codon 160 of the PPA2 protein (p.Asn160Ser). This variant is present in population databases (rs200123475, gnomAD 0.0009%). This variant has not been reported in the literature in individuals affected with PPA2-related conditions. Invitae Evidence Modeling of protein sequence and biophysical properties (such as structural, functional, and spatial information, amino acid conservation, physicochemical variation, residue mobility, and thermodynamic stability) indicates that this missense variant is not expected to disrupt PPA2 protein function with a negative predictive value of 95%. In summary, the available evidence is currently insufficient to determine the role of this variant in disease. Therefore, it has been classified as a Variant of Uncertain Significance.

NM_176869.3(PPA2):c.479A>G (p.Asn160Ser)

Gene: PPA2 (inorganic pyrophosphatase 2; minus strand). Cytogenetic location: 4q24.
Variant type: single nucleotide variant.
Coding change: c.479A>G on transcript NM_176869.3 (MANE Select); coding-DNA position 479, A replaced by G.
Protein change: p.Asn160Ser; replaces asparagine 160 with serine.
Molecular consequence: missense variant. On other transcripts: intron variant (3).
Genome position (GRCh38, 1-based): chr4:105,437,999, T>C on the plus strand (A>G on the coding strand, the complement: PPA2 is on the minus strand). VCF-style: chr4-105437999-T-C. GRCh37 (hg19) VCF-style: chr4-106359156-T-C.
Other names: c.157+35895A>G (NM_176867.3); c.223-13677A>G (NM_176866.2); c.441+8384A>G (NM_006903.4); short protein forms N160S.
Identifiers: ClinVar variation 4695416 (VCV004695416.1).